The following is an entry in ClinVar:

ClinVar aggregate classification (germline): Uncertain significance (1 of 4 stars; one submission).

Submission:

Ambry Genetics
Classification: Uncertain significance. Last evaluated: 2022-05-13. Review status: criteria provided, single submitter. Criteria: Ambry Variant Classification Scheme 2023. Collection method: clinical testing. Allele origin: germline.
Comment: The p.L414P variant (also known as c.1241T>C), located in coding exon 4 of the PALLD gene, results from a T to C substitution at nucleotide position 1241. The leucine at codon 414 is replaced by proline, an amino acid with similar properties. This amino acid position is conserved. In addition, the in silico prediction for this alteration is inconclusive. Since supporting evidence is limited at this time, the clinical significance of this alteration remains unclear.

NM_001166108.2(PALLD):c.1241T>C (p.Leu414Pro)

Gene: PALLD (palladin, cytoskeletal associated protein; plus strand). Cytogenetic location: 4q32.3.
Variant type: single nucleotide variant.
Coding change: c.1241T>C on transcript NM_001166108.2 (MANE Select); coding-DNA position 1241, T replaced by C.
Protein change: p.Leu414Pro; replaces leucine 414 with proline.
Molecular consequence: missense variant.
Genome position (GRCh38, 1-based): chr4:168,683,084, T>C. VCF-style: chr4-168683084-T-C. GRCh37 (hg19) VCF-style: chr4-169604235-T-C.
Other names: c.95T>C, p.Leu32Pro (NM_001166109.2); c.1241T>C, p.Leu414Pro (NM_016081.4); short protein forms L32P, L414P.
Identifiers: ClinVar variation 1758491 (VCV001758491.2), dbSNP rs1224785358, ClinGen allele CA358794325.